The following is an entry in ClinVar:

NM_000124.4(ERCC6):c.4114G>A (p.Gly1372Arg)

Gene: ERCC6 (ERCC excision repair 6, chromatin remodeling factor; minus strand). Cytogenetic location: 10q11.23.
Variant type: single nucleotide variant.
Coding change: c.4114G>A on transcript NM_000124.4 (MANE Select); coding-DNA position 4114, G replaced by A.
Protein change: p.Gly1372Arg; replaces glycine 1372 with arginine.
Molecular consequence: missense variant.
Genome position (GRCh38, 1-based): chr10:49,459,183, C>T on the plus strand (G>A on the coding strand, the complement: ERCC6 is on the minus strand). VCF-style: chr10-49459183-C-T. GRCh37 (hg19) VCF-style: chr10-50667229-C-T.
Other names: c.4114G>A, p.Gly1372Arg (NM_001346440.2); short protein forms G1372R.
Identifiers: ClinVar variation 300039 (VCV000300039.44), dbSNP rs4253227, ClinGen allele CA5495173.
Genomic context (GRCh38, chr10:49,459,183, plus strand): 5'-TAGCCAAGAGTGAGGAGGAAGCGAGGGGCCCGGATGAAGAGTCTGCATCTTCTGCTCTTC[C>T]ACTAAAATGCTCAGGGACATTATCTTTTCCCTCCTTTTTCATGATGCCATCCTATAAAAA-3'
Protein context (NP_000115.1, residues 1362-1382): GKDNVPEHFS[Gly1372Arg]RAEDADSSSG

ClinVar aggregate classification (germline): Benign/Likely benign. Review status: criteria provided, multiple submitters, no conflicts (2 of 4 stars). 8 submissions from 6 submitters: Benign (5); Likely benign (3). Last evaluated 2026-01-27.

Conditions:
Age related macular degeneration 5. Identifiers: MedGen C3151063, MONDO:0013409, OMIM 613761.
Cerebrooculofacioskeletal syndrome 1 (COFS1). Also called: Cerebro-oculo-facio-skeletal syndrome 1. Identifiers: MedGen C0220722, MONDO:0008955, OMIM 214150.
Cockayne syndrome type 2 (CSB). Also called: COCKAYNE SYNDROME B; Cockayne Syndrome, Type II. Identifiers: Orphanet 191, Orphanet 90322, MedGen C0751038, MONDO:0019570, OMIM 133540.

Allele frequency attached by ClinVar (database versions not stated): gnomAD exomes 0.00039 and 0.00104; ExAC 0.00117; gnomAD 0.00338 and 0.00363; ESP Exome Variant Server 0.00392; TOPMed 0.00402; 1000 Genomes Project 0.00479; 1000 Genomes Project 30x 0.00547.
gnomAD v4.1: 1,112 of 1,614,192 alleles (0.069%); highest among the groups gnomAD compares: African/African-American, 1.3%; 10 homozygotes.

Submissions (8):

Labcorp Genetics (formerly Invitae), Labcorp
Classification: Benign. Last evaluated: 2026-01-27. Review status: criteria provided, single submitter. Criteria: Invitae Variant Classification Sherloc (09022015). Collection method: clinical testing. Allele origin: germline.

Blueprint Genetics
Classification: Likely benign. Last evaluated: 2024-11-13. Review status: criteria provided, single submitter. Criteria: ACMG Guidelines, 2015. Collection method: clinical testing. Allele origin: germline.

CeGaT Center for Human Genetics Tuebingen
Classification: Benign. Last evaluated: 2023-02-01. Review status: criteria provided, single submitter. Criteria: CeGaT Center For Human Genetics Tuebingen Variant Classification Criteria Version 2. Collection method: clinical testing. Allele origin: germline. Affected: yes. Observed: 2 variant alleles.
Comment: ERCC6: BS1, BS2

GeneDx
Classification: Likely benign. Last evaluated: 2019-03-20. Review status: criteria provided, single submitter. Criteria: GeneDx Variant Classification Process June 2021. Collection method: clinical testing. Allele origin: germline. Affected: yes.
Comment: This variant is associated with the following publications: (PMID: 31124294)

Illumina Laboratory Services, Illumina
Classification: Benign for Cockayne syndrome type 2. Last evaluated: 2018-01-13. Review status: criteria provided, single submitter. Criteria: ICSL Variant Classification Criteria 13 December 2019. Collection method: clinical testing. Allele origin: germline.
Comment: This variant was observed in the ICSL laboratory as part of a predisposition screen in an ostensibly healthy population. It had not been previously curated by ICSL or reported in the Human Gene Mutation Database (HGMD: prior to June 1st, 2018), and was therefore a candidate for classification through an automated scoring system. Utilizing variant allele frequency, disease prevalence and penetrance estimates, and inheritance mode, an automated score was calculated to assess if this variant is too frequent to cause the disease. Based on the score and internal cut-off values, a variant classified as benign is not then subjected to further curation. The score for this variant resulted in a classification of benign for this disease.

Illumina Laboratory Services, Illumina
Classification: Benign for Cerebrooculofacioskeletal syndrome 1. Last evaluated: 2018-01-13. Review status: criteria provided, single submitter. Criteria: ICSL Variant Classification Criteria 13 December 2019. Collection method: clinical testing. Allele origin: germline.
Comment: the same text as in the submission from Illumina Laboratory Services, Illumina above.

Illumina Laboratory Services, Illumina
Classification: Benign for Age related macular degeneration 5. Last evaluated: 2018-01-13. Review status: criteria provided, single submitter. Criteria: ICSL Variant Classification Criteria 13 December 2019. Collection method: clinical testing. Allele origin: germline.
Comment: the same text as in the submission from Illumina Laboratory Services, Illumina above.

Breakthrough Genomics
Classification: Likely benign. Review status: criteria provided, single submitter. Criteria: ACMG Guidelines, 2015. Collection method: not provided. Allele origin: germline. Inheritance: Autosomal recessive inheritance. Affected: yes.